The following is an entry in ClinVar:

ClinVar aggregate classification (germline): Uncertain significance (1 of 4 stars; one submission).

Conditions:
Primary ciliary dyskinesia. Also called: Ciliary dyskinesia. Identifiers: Orphanet 244, MedGen C0008780, MONDO:0016575, HP:0012265.

Submission:

Labcorp Genetics (formerly Invitae), Labcorp
Classification: Uncertain significance for Primary ciliary dyskinesia. Last evaluated: 2017-04-15. Review status: criteria provided, single submitter. Criteria: Invitae Variant Classification Sherloc (09022015). Collection method: clinical testing. Allele origin: germline.
Comment: In summary, this variant is a novel missense change with uncertain impact on protein function. It has been classified as a Variant of Uncertain Significance. Algorithms developed to predict the effect of missense changes on protein structure and function do not agree on the potential impact of this missense change (SIFT: "Deleterious"; Align-GVGD: "Class C0"). This variant is not present in population databases (ExAC no frequency) and has not been reported in the literature in individuals with a DNAH8-related disease. This sequence change replaces glutamic acid with lysine at codon 4598 of the DNAH8 protein (p.Glu4598Lys). The glutamic acid residue is moderately conserved and there is a small physicochemical difference between glutamic acid and lysine.

NM_001206927.2(DNAH8):c.13792G>A (p.Glu4598Lys)

Gene: DNAH8 (dynein axonemal heavy chain 8; plus strand). Cytogenetic location: 6p21.2.
Variant type: single nucleotide variant.
Coding change: c.13792G>A on transcript NM_001206927.2 (MANE Select); coding-DNA position 13792, G replaced by A.
Protein change: p.Glu4598Lys; replaces glutamic acid 4598 with lysine.
Molecular consequence: missense variant.
Genome position (GRCh38, 1-based): chr6:39,026,623, G>A. VCF-style: chr6-39026623-G-A. GRCh37 (hg19) VCF-style: chr6-38994399-G-A.
Other names: c.13141G>A, p.Glu4381Lys (NM_001371.4); short protein forms E4598K, E4381K.
Identifiers: ClinVar variation 454553 (VCV000454553.9), dbSNP rs1554166182, ClinGen allele CA363998889.
Genomic context (GRCh38, chr6:39,026,623, plus strand): 5'-AGGCAAGAAGTGACCCGTGCCCACAAAGGCTGGGCACTGGACACTGTGACCATCCACAAT[G>A]AAGTTCTGAGACAGACCAAGGAGGAGATCACGTCACCCCCTGGGGTAGGCGTTGCTGGGC-3'
Protein context (NP_001193856.1, residues 4588-4608): WALDTVTIHN[Glu4598Lys]VLRQTKEEIT